The following is an entry in ClinVar:

NM_152296.5(ATP1A3):c.562C>T (p.Arg188Ter)

Gene: ATP1A3 (ATPase Na+/K+ transporting subunit alpha 3; minus strand). Cytogenetic location: 19q13.2.
Variant type: single nucleotide variant.
Coding change: c.562C>T on transcript NM_152296.5 (MANE Select); coding-DNA position 562, C replaced by T.
Protein change: p.Arg188Ter; replaces arginine 188 with a stop codon.
Molecular consequence: nonsense.
Genome position (GRCh38, 1-based): chr19:41,985,908, G>A on the plus strand (C>T on the coding strand, the complement: ATP1A3 is on the minus strand). VCF-style: chr19-41985908-G-A. GRCh37 (hg19) VCF-style: chr19-42490060-G-A.
Other names: c.562C>T (NM_152296.3); c.595C>T, p.Arg199Ter (NM_001256213.2); c.601C>T, p.Arg201Ter (NM_001256214.2); short protein forms R188*, R199*, R201*.
Identifiers: ClinVar variation 1001291 (VCV001001291.7), dbSNP rs2075282510, ClinGen allele CA406054375.
Genomic context (GRCh38, chr19:41,985,908, plus strand): 5'-CTAGGCCCAGGCCCACCTTGCAGCCGTGGGCTGAGATGATCCGCAGGTCAGCTGGCACTC[G>A]GTCTCCACCCTTGATCTCCACCAGGTCCCCGACCACCACCTCCTCAGCGTTCACCTGCAT-3'

ClinVar aggregate classification (germline): Conflicting classifications of pathogenicity. Review status: criteria provided, conflicting classifications (1 of 4 stars). 2 submissions from 2 submitters: Pathogenic (1); Uncertain significance (1). Last evaluated 2024-11-05.

Conditions:
Inborn genetic diseases. Identifiers: MedGen C0950123, MeSH D030342.
Dystonia 12 (DYT12). Also called: DYT-ATP1A3; Rapid-Onset Dystonia-Parkinsonism (RDP). Identifiers: Orphanet 71517, MedGen C1868681, MONDO:0007496, OMIM 128235.

Submissions (2):

Ambry Genetics
Classification: Uncertain significance for Inborn genetic diseases. Last evaluated: 2024-11-05. Review status: criteria provided, single submitter. Criteria: Ambry Variant Classification Scheme 2023. Collection method: clinical testing. Allele origin: germline.
Comment: The c.562C>T (p.R188*) alteration, located in exon 6 (coding exon 6) of the ATP1A3 gene, consists of a C to T substitution at nucleotide position 562. This changes the amino acid from an arginine (R) to a stop codon at amino acid position 188. This alteration is expected to result in loss of function by premature protein truncation or nonsense-mediated mRNA decay. However, loss-of-function of ATP1A3 has not been established as a mechanism of disease. This variant was not reported in population-based cohorts in the Genome Aggregation Database (gnomAD). Based on insufficient or conflicting evidence, the clinical significance of this alteration remains unclear.

Labcorp Genetics (formerly Invitae), Labcorp
Classification: Pathogenic for Dystonia 12. Last evaluated: 2021-12-01. Review status: criteria provided, single submitter. Criteria: Invitae Variant Classification Sherloc (09022015). Collection method: clinical testing. Allele origin: germline.
Comment: For these reasons, this variant has been classified as Pathogenic. ClinVar contains an entry for this variant (Variation ID: 1001291). This variant has not been reported in the literature in individuals affected with ATP1A3-related conditions. This variant is not present in population databases (gnomAD no frequency). This sequence change creates a premature translational stop signal (p.Arg188*) in the ATP1A3 gene. It is expected to result in an absent or disrupted protein product. Loss-of-function variants in ATP1A3 are known to be pathogenic (PMID: 24631656, 24983657).

Literature cited by the submitters: PubMed 24631656 (cited by Labcorp Genetics (formerly Invitae), Labcorp); PubMed 24983657 (cited by Labcorp Genetics (formerly Invitae), Labcorp).